The following is an entry in ClinVar:

NM_000868.4(HTR2C):c.99A>G (p.Ile33Met)

Gene: HTR2C (5-hydroxytryptamine receptor 2C; plus strand). Cytogenetic location: Xq23.
Variant type: single nucleotide variant.
Coding change: c.99A>G on transcript NM_000868.4 (MANE Select); coding-DNA position 99, A replaced by G.
Protein change: p.Ile33Met; replaces isoleucine 33 with methionine.
Molecular consequence: missense variant.
Genome position (GRCh38, 1-based): chrX:114,731,357, A>G. VCF-style: chrX-114731357-A-G. GRCh37 (hg19) VCF-style: chrX-113965766-A-G.
Other names: c.99A>G, p.Ile33Met (NM_001256760.3, NM_001256761.3); short protein forms I33M.
Identifiers: ClinVar variation 3351687 (VCV003351687.2).
Genomic context (GRCh38, chrX:114,731,357, plus strand): 5'-GCACCTAATTGGCCTATTGGTTTGGCAATCTGATATTTCTGTGAGCCCAGTAGCAGCTAT[A>G]GTAACTGACATTTTCAATACCTCCGATGGTGGACGCTTCAAATTCCCAGACGGGGTACAA-3'
Protein context (NP_000859.2, residues 23-43): SDISVSPVAA[Ile33Met]VTDIFNTSDG

ClinVar aggregate classification (germline): Uncertain significance (1 of 4 stars; one submission).

Conditions:
HTR2C-related disorder. Also called: HTR2C-related condition.

gnomAD v4.1: 90 of 1,204,856 alleles (0.0075%); highest among the groups gnomAD compares: Middle Eastern, 0.023%; no homozygotes.

Submission:

PreventionGenetics, part of Exact Sciences
Classification: Uncertain significance for HTR2C-related condition. Last evaluated: 2025-11-17. Review status: criteria provided, single submitter. Criteria: ACMG Guidelines, 2015. Collection method: clinical testing. Allele origin: germline.
Comment: The HTR2C c.99A>G variant is predicted to result in the amino acid substitution p.Ile33Met. To our knowledge, this variant has not been reported in the literature in individuals with HTRC2-related disorders. This variant is reported in 9 alleles out of 183261 total alleles in gnomAD, including 5 hemizygotes. At this time, the clinical significance of this variant is uncertain due to the absence of conclusive functional and genetic evidence.